The following is an entry in ClinVar:

ClinVar aggregate classification (germline): Uncertain significance (1 of 4 stars; one submission).

Conditions:
Cardiomyopathy (CMYO). Also called: Cardiomyopathies. Identifiers: Orphanet 167848, MedGen C0878544, MONDO:0004994, HP:0001638. Inheritance: Various modes of inheritance.

Submission:

Color Diagnostics, LLC DBA Color Health
Classification: Uncertain significance for Cardiomyopathy. Last evaluated: 2024-03-06. Review status: criteria provided, single submitter. Criteria: ACMG Guidelines, 2015. Collection method: clinical testing. Allele origin: germline.
Comment: This variant is located in the RYR2 protein. Computational prediction suggests that this variant may not impact protein structure and function (internally defined REVEL score threshold <= 0.5, PMID: 27666373). To our knowledge, functional studies have not been reported for this variant. This variant has not been reported in individuals affected with cardiovascular disorders in the literature. This variant has not been identified in the general population by the Genome Aggregation Database (gnomAD). The available evidence is insufficient to determine the role of this variant in disease conclusively. Therefore, this variant is classified as a Variant of Uncertain Significance.

NM_001035.3(RYR2):c.13903A>G (p.Ile4635Val)

Gene: RYR2 (ryanodine receptor 2; plus strand). Cytogenetic location: 1q43.
Variant type: single nucleotide variant.
Coding change: c.13903A>G on transcript NM_001035.3 (MANE Select); coding-DNA position 13903, A replaced by G.
Protein change: p.Ile4635Val; replaces isoleucine 4635 with valine.
Molecular consequence: missense variant.
Genome position (GRCh38, 1-based): chr1:237,793,987, A>G. VCF-style: chr1-237793987-A-G. GRCh37 (hg19) VCF-style: chr1-237957287-A-G.
Other names: c.13903A>G, p.Ile4635Val (LRG_402t1); short protein forms I4635V.
Identifiers: ClinVar variation 629096 (VCV000629096.5), dbSNP rs1558429505, ClinGen allele CA345418407.